The following is an entry in ClinVar:

NM_001394062.1(MACF1):c.18722C>T (p.Pro6241Leu)

Gene: MACF1 (microtubule actin crosslinking factor 1; plus strand). Cytogenetic location: 1p34.3.
Variant type: single nucleotide variant.
Coding change: c.18722C>T on transcript NM_001394062.1 (MANE Select); coding-DNA position 18722, C replaced by T.
Protein change: p.Pro6241Leu; replaces proline 6241 with leucine.
Molecular consequence: missense variant.
Genome position (GRCh38, 1-based): chr1:39,442,001, C>T. VCF-style: chr1-39442001-C-T. GRCh37 (hg19) VCF-style: chr1-39907673-C-T.
Other names: c.6800C>T, p.Pro2267Leu (NM_001397473.1); c.12545C>T, p.Pro4182Leu (NM_012090.5); short protein forms P2267L, P4182L, P6241L.
Identifiers: ClinVar variation 2197695 (VCV002197695.5), dbSNP rs751218372, ClinGen allele CA783956.
Genomic context (GRCh38, chr1:39,442,001, plus strand): 5'-TTTTGTTCTAGGCTATGTTTGACTGGCTAGATAACACTGTGATTAAACTCTGCACCATGC[C>T]CCCTGTTGGCACTGACCTCAATACTGTTAAAGATCAGTTAAATGAAATGAAGGTTTGTAT-3'
Protein context (NP_001380991.1, residues 6231-6251): DNTVIKLCTM[Pro6241Leu]PVGTDLNTVK

ClinVar aggregate classification (germline): Conflicting classifications of pathogenicity. Review status: criteria provided, conflicting classifications (1 of 4 stars). 2 submissions from 2 submitters: Uncertain significance (1); Benign (1). Last evaluated 2026-01-24.

Conditions:
MACF1-related disorder. Also called: MACF1-related condition.

Allele frequency attached by ClinVar (database versions not stated): ExAC 0.00001; gnomAD 0.00001; gnomAD exomes 0.00001; TOPMed 0.00003.
gnomAD v4.1: 8 of 1,613,956 alleles (0.0005%); highest among the groups gnomAD compares: Admixed American, 0.013%; no homozygotes.

Submissions (2):

PreventionGenetics, part of Exact Sciences
Classification: Uncertain significance for MACF1-related condition. Last evaluated: 2026-01-24. Review status: criteria provided, single submitter. Criteria: ACMG Guidelines, 2015. Collection method: clinical testing. Allele origin: germline.
Comment: The MACF1 c.12545C>T variant is predicted to result in the amino acid substitution p.Pro4182Leu. To our knowledge, this variant has not been reported in the literature. This variant is reported in 0.012% of alleles in individuals of Latino descent in gnomAD. Although we suspect that this variant may be benign, at this time, the clinical significance of this variant is uncertain due to the absence of conclusive functional and genetic evidence.

Labcorp Genetics (formerly Invitae), Labcorp
Classification: Benign. Last evaluated: 2022-08-31. Review status: criteria provided, single submitter. Criteria: Invitae Variant Classification Sherloc (09022015). Collection method: clinical testing. Allele origin: germline.